The following is an entry in ClinVar:

ClinVar aggregate classification (germline): Uncertain significance. Review status: criteria provided, multiple submitters, no conflicts (2 of 4 stars). 3 submissions from 3 submitters: Uncertain significance (3). Last evaluated 2025-10-10.

Conditions:
Inborn genetic diseases. Identifiers: MedGen C0950123, MeSH D030342.

gnomAD v4.1: 3 of 1,142,950 alleles (0.00026%); highest among the groups gnomAD compares: Admixed American, 0.0038%; no homozygotes.

Submissions (3):

Labcorp Genetics (formerly Invitae), Labcorp
Classification: Uncertain significance. Last evaluated: 2025-10-10. Review status: criteria provided, single submitter. Criteria: Invitae Variant Classification Sherloc (09022015). Collection method: clinical testing. Allele origin: germline.
Comment: This sequence change replaces arginine, which is basic and polar, with proline, which is neutral and non-polar, at codon 1012 of the GRIN2D protein (p.Arg1012Pro). This variant is not present in population databases (gnomAD no frequency). This variant has not been reported in the literature in individuals affected with GRIN2D-related conditions. ClinVar contains an entry for this variant (Variation ID: 1319387). Invitae Evidence Modeling of protein sequence and biophysical properties (such as structural, functional, and spatial information, amino acid conservation, physicochemical variation, residue mobility, and thermodynamic stability) indicates that this missense variant is not expected to disrupt GRIN2D protein function with a negative predictive value of 95%. In summary, the available evidence is currently insufficient to determine the role of this variant in disease. Therefore, it has been classified as a Variant of Uncertain Significance.

Ambry Genetics
Classification: Uncertain significance for Inborn genetic diseases. Last evaluated: 2023-09-26. Review status: criteria provided, single submitter. Criteria: Ambry Variant Classification Scheme 2023. Collection method: clinical testing. Allele origin: germline.

Institute for Clinical Genetics, University Hospital TU Dresden, University Hospital TU Dresden
Classification: Uncertain significance. Last evaluated: 2021-11-03. Review status: criteria provided, single submitter. Criteria: ACMG Guidelines, 2015. Collection method: clinical testing. Allele origin: germline.

NM_000836.4(GRIN2D):c.3035G>C (p.Arg1012Pro)

Gene: GRIN2D (glutamate ionotropic receptor NMDA type subunit 2D; plus strand). Cytogenetic location: 19q13.33.
Variant type: single nucleotide variant.
Coding change: c.3035G>C on transcript NM_000836.4 (MANE Select); coding-DNA position 3035, G replaced by C.
Protein change: p.Arg1012Pro; replaces arginine 1012 with proline.
Molecular consequence: missense variant.
Genome position (GRCh38, 1-based): chr19:48,442,961, G>C. VCF-style: chr19-48442961-G-C. GRCh37 (hg19) VCF-style: chr19-48946218-G-C.
Other names: short protein forms R1012P.
Identifiers: ClinVar variation 1319387 (VCV001319387.5), dbSNP rs1447126523, ClinGen allele CA406674733.